The following is an entry in ClinVar:

ClinVar aggregate classification (germline): Benign/Likely benign. Review status: criteria provided, multiple submitters, no conflicts (2 of 4 stars). 3 submissions from 3 submitters: Benign (1); Likely benign (2). Last evaluated 2025-11-24.

Conditions:
Leukodystrophy, hypomyelinating, 17. Identifiers: MedGen C4693912, MONDO:0054817, OMIM 618006.

Allele frequency attached by ClinVar (database versions not stated): TOPMed 0.00064; gnomAD 0.00066; ExAC 0.00104; ESP Exome Variant Server 0.00108; gnomAD exomes 0.00109.
gnomAD v4.1: 1,323 of 1,611,826 alleles (0.082%); highest among the groups gnomAD compares: Middle Eastern, 0.56%; 3 homozygotes.

Submissions (3):

Labcorp Genetics (formerly Invitae), Labcorp
Classification: Benign. Last evaluated: 2025-11-24. Review status: criteria provided, single submitter. Criteria: Invitae Variant Classification Sherloc (09022015). Collection method: clinical testing. Allele origin: germline.

CeGaT Center for Human Genetics Tuebingen
Classification: Likely benign. Last evaluated: 2025-10-01. Review status: criteria provided, single submitter. Criteria: CeGaT Center For Human Genetics Tuebingen Variant Classification Criteria Version 2. Collection method: clinical testing. Allele origin: germline. Affected: yes. Observed: 2 variant alleles.
Comment: AIMP2: BS2

Department of Pathology and Laboratory Medicine, Sinai Health System
Classification: Likely benign for Leukodystrophy, hypomyelinating, 17. Last evaluated: 2023-02-26. Review status: criteria provided, single submitter. Criteria: ACMG Guidelines, 2015. Collection method: research. Allele origin: germline.

NM_006303.4(AIMP2):c.16G>C (p.Val6Leu)

Gene: AIMP2 (aminoacyl tRNA synthetase complex interacting multifunctional protein 2; plus strand). Cytogenetic location: 7p22.1.
Variant type: single nucleotide variant.
Coding change: c.16G>C on transcript NM_006303.4 (MANE Select); coding-DNA position 16, G replaced by C.
Protein change: p.Val6Leu; replaces valine 6 with leucine.
Molecular consequence: missense variant. On other transcripts: 5 prime UTR variant (1), splice donor variant (3).
Genome position (GRCh38, 1-based): chr7:6,009,379, G>C. VCF-style: chr7-6009379-G-C. GRCh37 (hg19) VCF-style: chr7-6049010-G-C.
Other names: c.16G>C, p.Val6Leu (NM_001326607.2); c.-305G>C (NM_001326609.2); c.-238+1G>C (NM_001326611.3); c.-251+1G>C (NM_001326610.2); c.15+1G>C (NM_001326606.2); short protein forms V6L.
Identifiers: ClinVar variation 444713 (VCV000444713.49), dbSNP rs139842556, ClinGen allele CA4150166.
Genomic context (GRCh38, chr7:6,009,379, plus strand): 5'-CGTTGGCCTTTGGCACGCGCTACCCCCTTTTGCTTTGGTTCTGCCATGCCGATGTACCAG[G>C]TAAAGCCCTATCACGGGGGCGGCGCGCCTCTCCGTGTGGAGCTTCCCACCTGCATGTACC-3'
Protein context (NP_006294.2, residues 1-16): MPMYQ[Val6Leu]KPYHGGGAPL